The following is an entry in ClinVar:

NM_003816.3(ADAM9):c.8C>G (p.Ser3Cys)

Genes: ADAM9 (ADAM metallopeptidase domain 9; plus strand), LOC130000261 (ATAC-STARR-seq lymphoblastoid active region 27275; plus strand). Cytogenetic location: 8p11.22.
Variant type: single nucleotide variant.
Coding change: c.8C>G on transcript NM_003816.3 (MANE Select); coding-DNA position 8, C replaced by G.
Protein change: p.Ser3Cys; replaces serine 3 with cysteine.
Molecular consequence: missense variant. On other transcripts: non-coding transcript variant (3).
Genome position (GRCh38, 1-based): chr8:38,997,071, C>G. VCF-style: chr8-38997071-C-G. GRCh37 (hg19) VCF-style: chr8-38854590-C-G.
Other names: short protein forms S3C.
Identifiers: ClinVar variation 999527 (VCV000999527.5), dbSNP rs764765877, ClinGen allele CA370750770.

ClinVar aggregate classification (germline): Uncertain significance (1 of 4 stars; one submission).

gnomAD v4.1: 7 of 1,607,604 alleles (0.00044%); highest among the groups gnomAD compares: Non-Finnish European, 0.00059%; no homozygotes.

Submission:

Labcorp Genetics (formerly Invitae), Labcorp
Classification: Uncertain significance. Last evaluated: 2024-10-29. Review status: criteria provided, single submitter. Criteria: Invitae Variant Classification Sherloc (09022015). Collection method: clinical testing. Allele origin: germline.
Comment: This sequence change replaces serine, which is neutral and polar, with cysteine, which is neutral and slightly polar, at codon 3 of the ADAM9 protein (p.Ser3Cys). This variant is not present in population databases (gnomAD no frequency). This variant has not been reported in the literature in individuals affected with ADAM9-related conditions. ClinVar contains an entry for this variant (Variation ID: 999527). An algorithm developed to predict the effect of missense changes on protein structure and function (PolyPhen-2) suggests that this variant is likely to be tolerated. In summary, the available evidence is currently insufficient to determine the role of this variant in disease. Therefore, it has been classified as a Variant of Uncertain Significance.